The following is an entry in ClinVar:

ClinVar aggregate classification (germline): Uncertain significance. Review status: criteria provided, multiple submitters, no conflicts (2 of 4 stars). 3 submissions from 3 submitters: Uncertain significance (2). 1 of the submissions does not count toward it. Last evaluated 2026-03-20.

Conditions:
Cardiovascular phenotype. Identifiers: MedGen CN230736.
Familial hypercholesterolemia. Also called: Familial hypercholesterolemias; Familial hypercholesterolaemia. Identifiers: MedGen C0020445, MONDO:0005439.
Hypercholesterolemia, familial, 4 (FHCL4). Also called: HYPERCHOLESTEROLEMIA, AUTOSOMAL RECESSIVE, 1; HYPERCHOLESTEROLEMIA, AUTOSOMAL RECESSIVE, 2. Identifiers: Orphanet 391665, MedGen C1863512, MONDO:0011374, OMIM 603813.

Allele frequency attached by ClinVar (database versions not stated): gnomAD 0.00003 and 0.00002; ExAC 0.00002; gnomAD exomes 0.00004 and 0.00003; TOPMed 0.00002.
gnomAD v4.1: 64 of 1,614,070 alleles (0.004%); highest among the groups gnomAD compares: East Asian, 0.089%; no homozygotes.

Submissions (3):

Ambry Genetics
Classification: Uncertain significance for Cardiovascular phenotype. Last evaluated: 2026-03-20. Review status: criteria provided, single submitter. Criteria: Ambry Variant Classification Scheme 2023. Collection method: clinical testing. Allele origin: germline.
Comment: The p.T56M variant (also known as c.167C>T), located in coding exon 2 of the LDLRAP1 gene, results from a C to T substitution at nucleotide position 167. The threonine at codon 56 is replaced by methionine, an amino acid with similar properties. This amino acid position is highly conserved in available vertebrate species. In addition, the in silico prediction for this alteration is inconclusive. Based on the available evidence, the clinical significance of this variant remains unclear.

Labcorp Genetics (formerly Invitae), Labcorp
Classification: Uncertain significance for Hypercholesterolemia, familial, 4. Last evaluated: 2022-04-28. Review status: criteria provided, single submitter. Criteria: Invitae Variant Classification Sherloc (09022015). Collection method: clinical testing. Allele origin: germline.
Comment: This sequence change replaces threonine, which is neutral and polar, with methionine, which is neutral and non-polar, at codon 56 of the LDLRAP1 protein (p.Thr56Met). This variant is present in population databases (rs752849346, gnomAD 0.03%). This missense change has been observed in individual(s) with dyslipidemia and/or hypercholesterolemia (PMID: 20124734, 32041611). ClinVar contains an entry for this variant (Variation ID: 968442). Algorithms developed to predict the effect of missense changes on protein structure and function are either unavailable or do not agree on the potential impact of this missense change (SIFT: "Deleterious"; PolyPhen-2: "Probably Damaging"; Align-GVGD: "Class C0"). Experimental studies have shown that this missense change does not substantially affect LDLRAP1 function (PMID: 20124734). In summary, the available evidence is currently insufficient to determine the role of this variant in disease. Therefore, it has been classified as a Variant of Uncertain Significance.

Natera, Inc.
Classification: Uncertain significance for Familial hypercholesterolemia. Last evaluated: 2020-03-18. Review status: no assertion criteria provided. Collection method: clinical testing. Allele origin: germline. Not counted in ClinVar's aggregate classification.

Literature cited by the submitters: PubMed 20124734 (cited by Labcorp Genetics (formerly Invitae), Labcorp); PubMed 32041611 (cited by Labcorp Genetics (formerly Invitae), Labcorp).

NM_015627.3(LDLRAP1):c.167C>T (p.Thr56Met)

Gene: LDLRAP1 (low density lipoprotein receptor adaptor protein 1; plus strand). Cytogenetic location: 1p36.11.
Variant type: single nucleotide variant.
Coding change: c.167C>T on transcript NM_015627.3 (MANE Select); coding-DNA position 167, C replaced by T.
Protein change: p.Thr56Met; replaces threonine 56 with methionine.
Molecular consequence: missense variant.
Genome position (GRCh38, 1-based): chr1:25,554,000, C>T. VCF-style: chr1-25554000-C-T. GRCh37 (hg19) VCF-style: chr1-25880491-C-T.
Other names: short protein forms T56M.
Identifiers: ClinVar variation 968442 (VCV000968442.7), dbSNP rs752849346, ClinGen allele CA695449.
Genomic context (GRCh38, chr1:25,554,000, plus strand): 5'-CAGACACGCGGGAGACGCTGCTGGAGGGGATGCTGTTCAGCCTCAAGTACCTGGGCATGA[C>T]GCTAGTGGAGCAGCCCAAGGGTGAGGAGCTGTCGGCCGCCGCCATCAAGAGGATCGTGGC-3'
Protein context (NP_056442.2, residues 46-66): MLFSLKYLGM[Thr56Met]LVEQPKGEEL